The following is an entry in ClinVar:

ClinVar aggregate classification (germline): Uncertain significance (1 of 4 stars; one submission).

Conditions:
Congenital contractural arachnodactyly (CCA). Also called: Arthrogryposis, distal, type 9; BEALS SYNDROME; Beals-Hecht syndrome. Identifiers: Orphanet 115, MedGen C0220668, MONDO:0007363, OMIM 121050.

gnomAD v4.1: 19 of 1,573,172 alleles (0.0012%); highest among the groups gnomAD compares: South Asian, 0.021%; no homozygotes.

Submission:

Labcorp Genetics (formerly Invitae), Labcorp
Classification: Uncertain significance for Congenital contractural arachnodactyly. Last evaluated: 2025-03-04. Review status: criteria provided, single submitter. Criteria: Invitae Variant Classification Sherloc (09022015). Collection method: clinical testing. Allele origin: germline.
Comment: This sequence change falls in intron 44 of the FBN2 gene. It does not directly change the encoded amino acid sequence of the FBN2 protein. This variant is present in population databases (rs77052925, gnomAD 0.02%). This variant has not been reported in the literature in individuals affected with FBN2-related conditions. Algorithms developed to predict the effect of sequence changes on RNA splicing suggest that this variant may disrupt the consensus splice site. In summary, the available evidence is currently insufficient to determine the role of this variant in disease. Therefore, it has been classified as a Variant of Uncertain Significance.

NM_001999.4(FBN2):c.5675-8T>A

Gene: FBN2 (fibrillin 2; minus strand). Cytogenetic location: 5q23.3.
Variant type: single nucleotide variant.
Coding change: c.5675-8T>A on transcript NM_001999.4 (MANE Select); 8 bases into the intron before coding-DNA position 5675, T replaced by A.
Molecular consequence: intron variant.
Genome position (GRCh38, 1-based): chr5:128,305,090, A>T on the plus strand (T>A on the coding strand, the complement: FBN2 is on the minus strand). VCF-style: chr5-128305090-A-T. GRCh37 (hg19) VCF-style: chr5-127640782-A-T.
Identifiers: ClinVar variation 4704756 (VCV004704756.1).
Genomic context (GRCh38, chr5:128,305,090, plus strand): 5'-AACACACAAGCCATGACTGCAAACGTTAGGAATTTCTAAACATTCATTGCGATCTAAAAC[A>T]GAAAAAAATAAATGTTACATGTATCTGATTTTTATTAAGATTTCTTCATTTTTCACAGTT-3'